The following is an entry in ClinVar:

NM_006030.4(CACNA2D2):c.3052G>T (p.Val1018Leu)

Genes: CACNA2D2 (calcium voltage-gated channel auxiliary subunit alpha2delta 2; minus strand), LOC127898564 (CYB561D2-LOC101928965; plus strand), LOC101928965 (uncharacterized LOC101928965; plus strand). Cytogenetic location: 3p21.31.
Variant type: single nucleotide variant.
Coding change: c.3052G>T on transcript NM_006030.4 (MANE Select); coding-DNA position 3052, G replaced by T.
Protein change: p.Val1018Leu; replaces valine 1018 with leucine.
Molecular consequence: missense variant. On other transcripts: non-coding transcript variant (2).
Genome position (GRCh38, 1-based): chr3:50,365,402, C>A on the plus strand (G>T on the coding strand, the complement: CACNA2D2 is on the minus strand). VCF-style: chr3-50365402-C-A. GRCh37 (hg19) VCF-style: chr3-50402833-C-A.
Other names: c.3073G>T (NM_001174051.1); c.3052G>T, p.Val1018Leu (NM_001005505.3); c.3073G>T, p.Val1025Leu (NM_001174051.3); c.2845G>T, p.Val949Leu (NM_001291101.1); short protein forms V1025L, V949L, V1018L.
Identifiers: ClinVar variation 1479293 (VCV001479293.9), dbSNP rs1428813959, ClinGen allele CA352901091.

ClinVar aggregate classification (germline): Uncertain significance. Review status: criteria provided, multiple submitters, no conflicts (2 of 4 stars). 3 submissions from 3 submitters: Uncertain significance (3). Last evaluated 2025-05-26.

Conditions:
Early-infantile DEE. Also called: Ohtahara syndrome; Early infantile epileptic encephalopathy with suppression bursts; Early infantile epileptic encephalopathy. Identifiers: Orphanet 1934, MedGen C0393706, MONDO:0800491.
Inborn genetic diseases. Identifiers: MedGen C0950123, MeSH D030342.
Cerebellar atrophy with seizures and variable developmental delay. Identifiers: MedGen C5193132, MONDO:0032788, OMIM 618501.

Allele frequency attached by ClinVar (database versions not stated): TOPMed below 0.00001; gnomAD 0.00001; gnomAD exomes 0.00007.
gnomAD v4.1: 95 of 1,613,518 alleles (0.0059%); highest among the groups gnomAD compares: Non-Finnish European, 0.008%; no homozygotes.

Submissions (3):

Ambry Genetics
Classification: Uncertain significance for Inborn genetic diseases. Last evaluated: 2025-05-26. Review status: criteria provided, single submitter. Criteria: Ambry Variant Classification Scheme 2023. Collection method: clinical testing. Allele origin: germline.

Labcorp Genetics (formerly Invitae), Labcorp
Classification: Uncertain significance for Early-infantile DEE. Last evaluated: 2024-05-22. Review status: criteria provided, single submitter. Criteria: Invitae Variant Classification Sherloc (09022015). Collection method: clinical testing. Allele origin: germline.
Comment: This sequence change replaces valine, which is neutral and non-polar, with leucine, which is neutral and non-polar, at codon 1018 of the CACNA2D2 protein (p.Val1018Leu). This variant is not present in population databases (gnomAD no frequency). This variant has not been reported in the literature in individuals affected with CACNA2D2-related conditions. ClinVar contains an entry for this variant (Variation ID: 1479293). An algorithm developed to predict the effect of missense changes on protein structure and function (PolyPhen-2) suggests that this variant is likely to be tolerated. In summary, the available evidence is currently insufficient to determine the role of this variant in disease. Therefore, it has been classified as a Variant of Uncertain Significance.

Fulgent Genetics
Classification: Uncertain significance for Cerebellar atrophy with seizures and variable developmental delay. Last evaluated: 2021-10-07. Review status: criteria provided, single submitter. Criteria: ACMG Guidelines, 2015. Collection method: clinical testing. Allele origin: unknown.